The following is an entry in ClinVar:

NM_001363711.2(DUOX2):c.2779A>T (p.Met927Leu)

Gene: DUOX2 (dual oxidase 2; minus strand). Cytogenetic location: 15q21.1.
Variant type: single nucleotide variant.
Coding change: c.2779A>T on transcript NM_001363711.2 (MANE Select); coding-DNA position 2779, A replaced by T.
Protein change: p.Met927Leu; replaces methionine 927 with leucine.
Molecular consequence: missense variant.
Genome position (GRCh38, 1-based): chr15:45,101,865, T>A on the plus strand (A>T on the coding strand, the complement: DUOX2 is on the minus strand). VCF-style: chr15-45101865-T-A. GRCh37 (hg19) VCF-style: chr15-45394063-T-A.
Other names: c.2779A>T, p.Met927Leu (NM_014080.5); short protein forms M927L.
Identifiers: ClinVar variation 3769525 (VCV003769525.2).
Genomic context (GRCh38, chr15:45,101,865, plus strand): 5'-CACCTCCACCTTTGACACAGAGCTGCGTGAAGCGGAGCTCGCTGTCATGGTCCCGCAGCA[T>A]GAAGTGAAAATCCTCCCATGTCAGCTCCTCCTTGTCCTGGAATCCCGACTCCCGGAACAT-3'
Protein context (NP_001350640.1, residues 917-937): EELTWEDFHF[Met927Leu]LRDHDSELRF

ClinVar aggregate classification (germline): Uncertain significance (1 of 4 stars; one submission).

gnomAD v4.1: 1 of 1,614,122 alleles (0.000062%); highest among the groups gnomAD compares: Non-Finnish European, 0.000085%; no homozygotes.

Submission:

Women's Health and Genetics/Laboratory Corporation of America, LabCorp
Classification: Uncertain significance. Last evaluated: 2025-01-20. Review status: criteria provided, single submitter. Criteria: LabCorp Variant Classification Summary - May 2015. Collection method: clinical testing. Allele origin: germline.
Comment: Variant summary: DUOX2 c.2779A>T (p.Met927Leu) results in a conservative amino acid change in the encoded protein sequence. Four of five in-silico tools predict a benign effect of the variant on protein function. The variant was absent in 251476 control chromosomes. The available data on variant occurrences in the general population are insufficient to allow any conclusion about variant significance. To our knowledge, no occurrence of c.2779A>T in individuals affected with Thyroid Dyshormonogenesis 6 and no experimental evidence demonstrating its impact on protein function have been reported. No submitters have cited clinical-significance assessments for this variant to ClinVar. Based on the evidence outlined above, the variant was classified as uncertain significance.